The following is an entry in ClinVar:

NM_000096.4(CP):c.1811C>A (p.Pro604His)

Gene: CP (ceruloplasmin; minus strand). Cytogenetic location: 3q24.
Variant type: single nucleotide variant.
Coding change: c.1811C>A on transcript NM_000096.4 (MANE Select); coding-DNA position 1811, C replaced by A.
Protein change: p.Pro604His; replaces proline 604 with histidine.
Molecular consequence: missense variant. On other transcripts: non-coding transcript variant (1).
Genome position (GRCh38, 1-based): chr3:149,188,105, G>T on the plus strand (C>A on the coding strand, the complement: CP is on the minus strand). VCF-style: chr3-149188105-G-T. GRCh37 (hg19) VCF-style: chr3-148905892-G-T.
Other names: short protein forms P604H.
Identifiers: ClinVar variation 952095 (VCV000952095.10), dbSNP rs188643164, ClinGen allele CA2660921.

ClinVar aggregate classification (germline): Uncertain significance. Review status: criteria provided, multiple submitters, no conflicts (2 of 4 stars). 4 submissions from 4 submitters: Uncertain significance (4). Last evaluated 2025-08-25.

Conditions:
Inborn genetic diseases. Identifiers: MedGen C0950123, MeSH D030342.
Deficiency of ferroxidase (ACEP). Also called: Aceruloplasminemia; Deficiency of ceruloplasmin; NEURODEGENERATION WITH BRAIN IRON ACCUMULATION 10; Ceruloplasmin deficiency; Familial apoceruloplasmin deficiency; Hereditary ceruloplasmin deficiency. Identifiers: Orphanet 48818, MedGen C0878682, MONDO:0011426, OMIM 604290, HP:0025498.

Allele frequency attached by ClinVar (database versions not stated): gnomAD exomes 0.00004 and 0.00016; ExAC 0.00005; gnomAD 0.00051 and 0.00053; TOPMed 0.00054; 1000 Genomes Project 0.00060; 1000 Genomes Project 30x 0.00078.
gnomAD v4.1: 144 of 1,612,502 alleles (0.0089%); highest among the groups gnomAD compares: Admixed American, 0.22%; 3 homozygotes.

Submissions (4):

Ambry Genetics
Classification: Uncertain significance for Inborn genetic diseases. Last evaluated: 2025-08-25. Review status: criteria provided, single submitter. Criteria: Ambry Variant Classification Scheme 2023. Collection method: clinical testing. Allele origin: germline.

Fulgent Genetics
Classification: Uncertain significance for Deficiency of ferroxidase. Last evaluated: 2024-04-30. Review status: criteria provided, single submitter. Criteria: ACMG Guidelines, 2015. Collection method: clinical testing. Allele origin: germline.

Labcorp Genetics (formerly Invitae), Labcorp
Classification: Uncertain significance for Deficiency of ferroxidase. Last evaluated: 2022-06-17. Review status: criteria provided, single submitter. Criteria: Invitae Variant Classification Sherloc (09022015). Collection method: clinical testing. Allele origin: germline.
Comment: This sequence change replaces proline, which is neutral and non-polar, with histidine, which is basic and polar, at codon 604 of the CP protein (p.Pro604His). This variant is present in population databases (rs188643164, gnomAD 0.1%), including at least one homozygous and/or hemizygous individual. This variant has not been reported in the literature in individuals affected with CP-related conditions. ClinVar contains an entry for this variant (Variation ID: 952095). Advanced modeling of protein sequence and biophysical properties (such as structural, functional, and spatial information, amino acid conservation, physicochemical variation, residue mobility, and thermodynamic stability) performed at Invitae indicates that this missense variant is expected to disrupt CP protein function. In summary, the available evidence is currently insufficient to determine the role of this variant in disease. Therefore, it has been classified as a Variant of Uncertain Significance.

Breakthrough Genomics
Classification: Uncertain significance. Review status: criteria provided, single submitter. Criteria: ACMG Guidelines, 2015. Collection method: not provided. Allele origin: germline. Inheritance: Autosomal recessive inheritance. Affected: yes.